The following is an entry in ClinVar:

NM_007118.4(TRIO):c.6388-14C>T

Gene: TRIO (trio Rho guanine nucleotide exchange factor; plus strand). Cytogenetic location: 5p15.2.
Variant type: single nucleotide variant.
Coding change: c.6388-14C>T on transcript NM_007118.4 (MANE Select); 14 bases into the intron before coding-DNA position 6388, C replaced by T.
Molecular consequence: intron variant.
Genome position (GRCh38, 1-based): chr5:14,481,527, C>T. VCF-style: chr5-14481527-C-T. GRCh37 (hg19) VCF-style: chr5-14481636-C-T.
Identifiers: ClinVar variation 2637809 (VCV002637809.1), dbSNP rs1561540145, ClinGen allele CA1528767725.

ClinVar aggregate classification (germline): Likely benign (1 of 4 stars; one submission).

gnomAD v4.1: 2 of 1,613,976 alleles (0.00012%); highest among the groups gnomAD compares: Admixed American, 0.0017%; no homozygotes.

Submission:

Women's Health and Genetics/Laboratory Corporation of America, LabCorp
Classification: Likely benign. Last evaluated: 2023-10-18. Review status: criteria provided, single submitter. Criteria: LabCorp Variant Classification Summary - May 2015. Collection method: clinical testing. Allele origin: germline.
Comment: Variant summary: TRIO c.6388-14C>T alters a non-conserved nucleotide located at a position not widely known to affect splicing. Consensus agreement among computation tools predict no significant impact on normal splicing. However, these predictions have yet to be confirmed by functional studies. The variant allele was found at a frequency of 4e-06 in 251156 control chromosomes (gnomAD). To our knowledge, no occurrence of c.6388-14C>T in individuals affected with TRIO-Related Intellectual Disability and no experimental evidence demonstrating its impact on protein function have been reported. No submitters have cited clinical-significance assessments for this variant to ClinVar after 2014. Based on the evidence outlined above, the variant was classified as likely benign.